The following is an entry in ClinVar:

ClinVar aggregate classification (germline): Likely benign. Review status: criteria provided, multiple submitters, no conflicts (2 of 4 stars). 4 submissions from 4 submitters: Likely benign (3). 1 of the submissions does not count toward it. Last evaluated 2026-07-01.

Conditions:
RTTN-related disorder. Also called: RTTN-related condition.

Allele frequency attached by ClinVar (database versions not stated): gnomAD 0.00008; TOPMed 0.00008; ESP Exome Variant Server 0.00009; ExAC 0.00010; 1000 Genomes Project 30x 0.00016; 1000 Genomes Project 0.00020.
gnomAD v4.1: 89 of 1,564,782 alleles (0.0057%); highest among the groups gnomAD compares: Middle Eastern, 0.023%; no homozygotes.

Submissions (4):

CeGaT Center for Human Genetics Tuebingen
Classification: Likely benign. Last evaluated: 2026-07-01. Review status: criteria provided, single submitter. Criteria: CeGaT Center For Human Genetics Tuebingen Variant Classification Criteria Version 2. Collection method: clinical testing. Allele origin: germline. Affected: yes. Observed: 1 variant allele.
Comment: RTTN: BP4, BP7

Labcorp Genetics (formerly Invitae), Labcorp
Classification: Likely benign. Last evaluated: 2026-01-19. Review status: criteria provided, single submitter. Criteria: Invitae Variant Classification Sherloc (09022015). Collection method: clinical testing. Allele origin: germline.

Blueprint Genetics
Classification: Likely benign. Last evaluated: 2024-01-17. Review status: criteria provided, single submitter. Criteria: ACMG Guidelines, 2015. Collection method: clinical testing. Allele origin: germline.

PreventionGenetics, part of Exact Sciences
Classification: Likely benign for RTTN-related condition. Last evaluated: 2019-04-15. Review status: no assertion criteria provided. Collection method: clinical testing. Allele origin: germline. Not counted in ClinVar's aggregate classification.
Comment: This variant is classified as likely benign based on ACMG/AMP sequence variant interpretation guidelines (Richards et al. 2015 PMID: 25741868, with internal and published modifications).

NM_173630.4(RTTN):c.3510C>T (p.Leu1170=)

Gene: RTTN (rotatin; minus strand). Cytogenetic location: 18q22.2.
Variant type: single nucleotide variant.
Coding change: c.3510C>T on transcript NM_173630.4 (MANE Select); coding-DNA position 3510, C replaced by T.
Protein change: p.Leu1170=; no amino-acid change (leucine 1170 retained).
Molecular consequence: synonymous variant.
Genome position (GRCh38, 1-based): chr18:70,121,574, G>A on the plus strand (C>T on the coding strand, the complement: RTTN is on the minus strand). VCF-style: chr18-70121574-G-A. GRCh37 (hg19) VCF-style: chr18-67788810-G-A.
Other names: c.3510C>T (NM_173630.3); c.774C>T, p.Leu258= (NM_001318520.2).
Identifiers: ClinVar variation 2174132 (VCV002174132.8), dbSNP rs192797209, ClinGen allele CA8995575.